The following is an entry in ClinVar:

ClinVar aggregate classification (germline): Likely pathogenic. Review status: criteria provided, multiple submitters, no conflicts (2 of 4 stars). 2 submissions from 2 submitters: Likely pathogenic (2). Last evaluated 2026-03-01.

Conditions:
Retinitis pigmentosa 12 (RP12). Also called: RP WITH OR WITHOUT PPRPE; RP WITH OR WITHOUT PRESERVED PARAARTERIOLE RETINAL PIGMENT EPITHELIUM; RETINITIS PIGMENTOSA WITH OR WITHOUT PARAARTERIOLAR PRESERVATION OF RETINAL PIGMENT EPITHELIUM. Identifiers: Orphanet 791, MedGen C1838647, MONDO:0010818, OMIM 600105.
Leber congenital amaurosis 8 (LCA8). Identifiers: Orphanet 65, MedGen C3151202, MONDO:0013453, OMIM 613835.
Pigmented paravenous retinochoroidal atrophy. Identifiers: Orphanet 251295, MedGen C1868310, MONDO:0008246, OMIM 172870.
Retinitis pigmentosa, juvenile. Identifiers: MedGen CN260077.

Submissions (2):

Medical Molecular Genetics Department, National Research Center
Classification: Likely pathogenic for Retinitis pigmentosa, juvenile. Last evaluated: 2026-03-01. Review status: criteria provided, single submitter. Criteria: ACMG Guidelines, 2015. Collection method: research. Allele origin: germline. Affected: yes. Observed: 1 variant allele.
Comment: CRB1 c.3296del (p.Thr1099LysfsTer2): Frameshift (null variant). Absent from gnomAD. Established loss-of-function CRB1 mechanism. Classified Likely pathogenic (PVS1,PM2)

Fulgent Genetics
Classification: Likely pathogenic for Pigmented paravenous retinochoroidal atrophy; Retinitis pigmentosa 12; Leber congenital amaurosis 8. Last evaluated: 2024-04-27. Review status: criteria provided, single submitter. Criteria: ACMG Guidelines, 2015. Collection method: clinical testing. Allele origin: germline.

NM_201253.3(CRB1):c.3296del (p.Thr1099fs)

Gene: CRB1 (crumbs cell polarity complex component 1; plus strand). Cytogenetic location: 1q31.3.
Variant type: Deletion.
Coding change: c.3296del on transcript NM_201253.3 (MANE Select); coding-DNA position 3296, one base deleted (C; older notation c.3296delC).
Protein change: p.Thr1099fs; shifts the reading frame from threonine 1099.
Molecular consequence: frameshift variant. On other transcripts: non-coding transcript variant (2), intron variant (1).
Genome position (GRCh38, 1-based): chr1:197,435,159, C deleted. VCF-style (leftmost placement, unchanged base first): chr1-197435158-AC-A. GRCh37 (hg19) VCF-style: chr1-197404288-AC-A.
Other names: p.Thr1099LysfsTer2; c.2960del, p.Thr987fs (NM_001193640.2); c.3224del, p.Thr1075fs (NM_001257965.2); c.2129-441del (NM_001257966.2); short protein forms T1075fs, T987fs, T1099fs.
Identifiers: ClinVar variation 3576425 (VCV003576425.2).